The following is an entry in ClinVar:

NM_004974.4(KCNA2):c.380G>A (p.Arg127Gln)

Gene: KCNA2 (potassium voltage-gated channel subfamily A member 2; minus strand). Cytogenetic location: 1p13.3.
Variant type: single nucleotide variant.
Coding change: c.380G>A on transcript NM_004974.4 (MANE Select); coding-DNA position 380, G replaced by A.
Protein change: p.Arg127Gln; replaces arginine 127 with glutamine.
Molecular consequence: missense variant.
Genome position (GRCh38, 1-based): chr1:110,604,403, C>T on the plus strand (G>A on the coding strand, the complement: KCNA2 is on the minus strand). VCF-style: chr1-110604403-C-T. GRCh37 (hg19) VCF-style: chr1-111147025-C-T.
Other names: c.380G>A, p.Arg127Gln (NM_001204269.2); short protein forms R127Q.
Identifiers: ClinVar variation 2742476 (VCV002742476.4), dbSNP rs755978128, ClinGen allele CA1000722.
Genomic context (GRCh38, chr1:110,604,403, plus strand): 5'-CTCTGAAACTCATTTTCAGGCAGAGGACGCTCTTCCTCCTTGATGTAGCCTTCATCTTCC[C>T]GAAACATCTCCATCGCTTCTTCTCCCAGCTCATAAAACCGAATTTCTTCAGAGAATATAT-3'
Protein context (NP_004965.1, residues 117-137): ELGEEAMEMF[Arg127Gln]EDEGYIKEEE

ClinVar aggregate classification (germline): Uncertain significance. Review status: criteria provided, multiple submitters, no conflicts (2 of 4 stars). 2 submissions from 2 submitters: Uncertain significance (2). Last evaluated 2025-04-09.

Conditions:
Developmental and epileptic encephalopathy, 32 (DEE32). Also called: Epileptic encephalopathy, early infantile, 32. Identifiers: Orphanet 442835, MedGen C4225350, MONDO:0014607, OMIM 616366.

Allele frequency attached by ClinVar (database versions not stated): ExAC 0.00001.

Submissions (2):

Labcorp Genetics (formerly Invitae), Labcorp
Classification: Uncertain significance for Developmental and epileptic encephalopathy, 32. Last evaluated: 2025-04-09. Review status: criteria provided, single submitter. Criteria: Invitae Variant Classification Sherloc (09022015). Collection method: clinical testing. Allele origin: germline.
Comment: This sequence change replaces arginine, which is basic and polar, with glutamine, which is neutral and polar, at codon 127 of the KCNA2 protein (p.Arg127Gln). This variant is present in population databases (rs755978128, gnomAD 0.003%). This variant has not been reported in the literature in individuals affected with KCNA2-related conditions. ClinVar contains an entry for this variant (Variation ID: 2742476). Invitae Evidence Modeling of protein sequence and biophysical properties (such as structural, functional, and spatial information, amino acid conservation, physicochemical variation, residue mobility, and thermodynamic stability) has been performed for this missense variant. However, the output from this modeling did not meet the statistical confidence thresholds required to predict the impact of this variant on KCNA2 protein function. In summary, the available evidence is currently insufficient to determine the role of this variant in disease. Therefore, it has been classified as a Variant of Uncertain Significance.

Blueprint Genetics
Classification: Uncertain significance. Last evaluated: 2024-09-25. Review status: criteria provided, single submitter. Criteria: ACMG Guidelines, 2015. Collection method: clinical testing. Allele origin: germline.